The following is an entry in ClinVar:

NM_018834.6(MATR3):c.955T>A (p.Cys319Ser)

Gene: MATR3 (matrin 3; plus strand). Cytogenetic location: 5q31.2.
Variant type: single nucleotide variant.
Coding change: c.955T>A on transcript NM_018834.6 (MANE Select); coding-DNA position 955, T replaced by A.
Protein change: p.Cys319Ser; replaces cysteine 319 with serine.
Molecular consequence: missense variant. On other transcripts: 5 prime UTR variant (1).
Genome position (GRCh38, 1-based): chr5:139,314,717, T>A. VCF-style: chr5-139314717-T-A. GRCh37 (hg19) VCF-style: chr5-138650406-T-A.
Other names: c.955T>A, p.Cys319Ser (NM_001194954.2, NM_001194955.2, NM_199189.3); c.91T>A, p.Cys31Ser (NM_001194956.2); c.-60T>A (NM_001282278.2); short protein forms C319S, C31S.
Identifiers: ClinVar variation 1303757 (VCV001303757.2), dbSNP rs770301149, ClinGen allele CA3432971.

ClinVar aggregate classification (germline): Uncertain significance (1 of 4 stars; one submission).

Allele frequency attached by ClinVar (database versions not stated): ExAC 0.00001; gnomAD exomes below 0.00001.

Submission:

GeneDx
Classification: Uncertain significance. Last evaluated: 2020-06-08. Review status: criteria provided, single submitter. Criteria: GeneDx Variant Classification Process June 2021. Collection method: clinical testing. Allele origin: germline. Affected: yes.
Comment: In silico analysis supports that this missense variant has a deleterious effect on protein structure/function; Has not been previously published as pathogenic or benign to our knowledge